The following is an entry in ClinVar:

ClinVar aggregate classification (germline): Likely benign (1 of 4 stars; one submission).

Submission:

Center for Genomic Medicine, Rigshospitalet, Copenhagen University Hospital
Classification: Likely benign. Last evaluated: 2025-12-29. Review status: criteria provided, single submitter. Criteria: ACMG Guidelines, 2015. Collection method: clinical testing. Allele origin: germline.
Comment: Classification criteria: BP4, BP7

NM_000051.4(ATM):c.5006-48dup

Gene: ATM (ATM serine/threonine kinase; plus strand). Cytogenetic location: 11q22.3.
Variant type: Duplication.
Coding change: c.5006-48dup on transcript NM_000051.4 (MANE Select); 48 bases into the intron before coding-DNA position 5006, one base duplicated (T; older notation c.5006-48dupT).
Molecular consequence: intron variant.
Genome position (GRCh38, 1-based): chr11:108,299,666, T duplicated. VCF-style (leftmost placement, unchanged base first): chr11-108299665-G-GT. GRCh37 (hg19) VCF-style: chr11-108170392-G-GT.
Other names: c.5006-48dup (NM_001351834.2); c.5006-48dupT (NM_000051.4).
Identifiers: ClinVar variation 4539303 (VCV004539303.1).